The following is an entry in ClinVar:

NM_005751.5(AKAP9):c.9173T>C (p.Val3058Ala)

Gene: AKAP9 (A-kinase anchoring protein 9; plus strand). Cytogenetic location: 7q21.2.
Variant type: single nucleotide variant.
Coding change: c.9173T>C on transcript NM_005751.5 (MANE Select); coding-DNA position 9173, T replaced by C.
Protein change: p.Val3058Ala; replaces valine 3058 with alanine.
Molecular consequence: missense variant.
Genome position (GRCh38, 1-based): chr7:92,086,376, T>C. VCF-style: chr7-92086376-T-C. GRCh37 (hg19) VCF-style: chr7-91715690-T-C.
Other names: c.3818T>C, p.Val1273Ala (NM_001379277.1); c.9149T>C, p.Val3050Ala (NM_147185.3); short protein forms V1273A, V3050A, V3058A.
Identifiers: ClinVar variation 1367210 (VCV001367210.11), dbSNP rs1214206783, ClinGen allele CA368144021.

ClinVar aggregate classification (germline): Uncertain significance. Review status: criteria provided, multiple submitters, no conflicts (2 of 4 stars). 3 submissions from 3 submitters: Uncertain significance (3). Last evaluated 2025-11-24.

Conditions:
AKAP9-related disorder. Also called: AKAP9-related condition.
Cardiovascular phenotype. Identifiers: MedGen CN230736.
Long QT syndrome (LQTS). Identifiers: MedGen C0023976, MeSH D008133, MONDO:0002442. Disease mechanism: loss of function. Inheritance: Various modes of inheritance.

Allele frequency attached by ClinVar (database versions not stated): gnomAD exomes below 0.00001; gnomAD 0.00001; TOPMed 0.00004.
gnomAD v4.1: 5 of 1,613,816 alleles (0.00031%); highest among the groups gnomAD compares: Admixed American, 0.005%; no homozygotes.

Submissions (3):

Ambry Genetics
Classification: Uncertain significance for Cardiovascular phenotype. Last evaluated: 2025-11-24. Review status: criteria provided, single submitter. Criteria: Ambry Variant Classification Scheme 2023. Collection method: clinical testing. Allele origin: germline.

Labcorp Genetics (formerly Invitae), Labcorp
Classification: Uncertain significance for Long QT syndrome. Last evaluated: 2025-08-23. Review status: criteria provided, single submitter. Criteria: Invitae Variant Classification Sherloc (09022015). Collection method: clinical testing. Allele origin: germline.
Comment: This sequence change replaces valine, which is neutral and non-polar, with alanine, which is neutral and non-polar, at codon 3058 of the AKAP9 protein (p.Val3058Ala). This variant is not present in population databases (gnomAD no frequency). This variant has not been reported in the literature in individuals affected with AKAP9-related conditions. ClinVar contains an entry for this variant (Variation ID: 1367210). An algorithm developed to predict the effect of missense changes on protein structure and function outputs the following: PolyPhen-2: "Benign". The alanine amino acid residue is found in multiple mammalian species, which suggests that this missense change does not adversely affect protein function. In summary, the available evidence is currently insufficient to determine the role of this variant in disease. Therefore, it has been classified as a Variant of Uncertain Significance.

PreventionGenetics, part of Exact Sciences
Classification: Uncertain significance for AKAP9-related condition. Last evaluated: 2023-03-20. Review status: criteria provided, single submitter. Criteria: ACMG Guidelines, 2015. Collection method: clinical testing. Allele origin: germline.
Comment: The AKAP9 c.9173T>C variant is predicted to result in the amino acid substitution p.Val3058Ala. To our knowledge, this variant has not been reported in the literature or in a large population database, indicating this variant is rare. At this time, the clinical significance of this variant is uncertain due to the absence of conclusive functional and genetic evidence.